The following is an entry in ClinVar:

ClinVar aggregate classification (germline): Uncertain significance (1 of 4 stars; one submission).

Submission:

Labcorp Genetics (formerly Invitae), Labcorp
Classification: Uncertain significance. Last evaluated: 2022-08-26. Review status: criteria provided, single submitter. Criteria: Invitae Variant Classification Sherloc (09022015). Collection method: clinical testing. Allele origin: germline.
Comment: This sequence change replaces glycine, which is neutral and non-polar, with arginine, which is basic and polar, at codon 407 of the HNF1B protein (p.Gly407Arg). This variant is not present in population databases (gnomAD no frequency). This variant has not been reported in the literature in individuals affected with HNF1B-related conditions. Advanced modeling of protein sequence and biophysical properties (such as structural, functional, and spatial information, amino acid conservation, physicochemical variation, residue mobility, and thermodynamic stability) performed at Invitae indicates that this missense variant is expected to disrupt HNF1B protein function. In summary, the available evidence is currently insufficient to determine the role of this variant in disease. Therefore, it has been classified as a Variant of Uncertain Significance.

NM_000458.4(HNF1B):c.1219G>A (p.Gly407Arg)

Gene: HNF1B (HNF1 homeobox B; minus strand). Cytogenetic location: 17q12.
Variant type: single nucleotide variant.
Coding change: c.1219G>A on transcript NM_000458.4 (MANE Select); coding-DNA position 1219, G replaced by A.
Protein change: p.Gly407Arg; replaces glycine 407 with arginine.
Molecular consequence: missense variant.
Genome position (GRCh38, 1-based): chr17:37,705,037, C>T on the plus strand (G>A on the coding strand, the complement: HNF1B is on the minus strand). VCF-style: chr17-37705037-C-T. GRCh37 (hg19) VCF-style: chr17-36065044-C-T.
Other names: c.1141G>A, p.Gly381Arg (NM_001165923.4, NM_001304286.2); c.1219G>A, p.Gly407Arg (NM_001411100.1); short protein forms G381R, G407R.
Identifiers: ClinVar variation 2419705 (VCV002419705.6), dbSNP rs2511710076, ClinGen allele CA398757718.